The following is an entry in ClinVar:

ClinVar aggregate classification (germline): Uncertain significance. Review status: criteria provided, multiple submitters, no conflicts (2 of 4 stars). 3 submissions from 3 submitters: Uncertain significance (3). Last evaluated 2024-04-01.

Conditions:
Inborn genetic diseases. Identifiers: MedGen C0950123, MeSH D030342.
Van Maldergem syndrome 2 (VMLDS2). Identifiers: Orphanet 314679, MedGen C3809875, MONDO:0014242, OMIM 615546.
Hennekam lymphangiectasia-lymphedema syndrome 2 (HKLLS2). Identifiers: Orphanet 2136, MedGen C4014939, MONDO:0014454, OMIM 616006.

Allele frequency attached by ClinVar (database versions not stated): gnomAD exomes 0.00001; ExAC 0.00002; TOPMed 0.00002.
gnomAD v4.1: 10 of 1,614,168 alleles (0.00062%); highest among the groups gnomAD compares: East Asian, 0.018%; no homozygotes.

Submissions (3):

Fulgent Genetics
Classification: Uncertain significance for Van Maldergem syndrome 2; Hennekam lymphangiectasia-lymphedema syndrome 2. Last evaluated: 2024-04-01. Review status: criteria provided, single submitter. Criteria: ACMG Guidelines, 2015. Collection method: clinical testing. Allele origin: germline.

Ambry Genetics
Classification: Uncertain significance for Inborn genetic diseases. Last evaluated: 2023-09-26. Review status: criteria provided, single submitter. Criteria: Ambry Variant Classification Scheme 2023. Collection method: clinical testing. Allele origin: germline.

Labcorp Genetics (formerly Invitae), Labcorp
Classification: Uncertain significance. Last evaluated: 2023-02-28. Review status: criteria provided, single submitter. Criteria: Invitae Variant Classification Sherloc (09022015). Collection method: clinical testing. Allele origin: germline.
Comment: In summary, the available evidence is currently insufficient to determine the role of this variant in disease. Therefore, it has been classified as a Variant of Uncertain Significance. This sequence change replaces serine, which is neutral and polar, with glycine, which is neutral and non-polar, at codon 3323 of the FAT4 protein (p.Ser3323Gly). This variant is present in population databases (rs751109716, gnomAD 0.03%). This variant has not been reported in the literature in individuals affected with FAT4-related conditions. Advanced modeling of protein sequence and biophysical properties (such as structural, functional, and spatial information, amino acid conservation, physicochemical variation, residue mobility, and thermodynamic stability) performed at Invitae indicates that this missense variant is not expected to disrupt FAT4 protein function.

NM_001291303.3(FAT4):c.9973A>G (p.Ser3325Gly)

Gene: FAT4 (FAT atypical cadherin 4; plus strand). Cytogenetic location: 4q28.1.
Variant type: single nucleotide variant.
Coding change: c.9973A>G on transcript NM_001291303.3 (MANE Select); coding-DNA position 9973, A replaced by G.
Protein change: p.Ser3325Gly; replaces serine 3325 with glycine.
Molecular consequence: missense variant.
Genome position (GRCh38, 1-based): chr4:125,450,983, A>G. VCF-style: chr4-125450983-A-G. GRCh37 (hg19) VCF-style: chr4-126372138-A-G.
Other names: c.9973A>G, p.Ser3325Gly (NM_001291285.3); c.9967A>G, p.Ser3323Gly (NM_024582.6); c.9967A>G (NM_024582.4, NM_024582.5); short protein forms S3325G, S3323G.
Identifiers: ClinVar variation 2998648 (VCV002998648.3), dbSNP rs751109716, ClinGen allele CA3073609.